The following is an entry in ClinVar:

NM_000535.7(PMS2):c.740dup (p.Pro247_Ser248insTer)

Gene: PMS2 (PMS1 homolog 2, mismatch repair system component; minus strand). Cytogenetic location: 7p22.1.
Variant type: Duplication.
Coding change: c.740dup on transcript NM_000535.7 (MANE Select); coding-DNA position 740, one base duplicated (C; older notation c.740dupC).
Protein change: p.Pro247_Ser248insTer.
Molecular consequence: frameshift variant. On other transcripts: nonsense (45), 5 prime UTR variant (2), non-coding transcript variant (1).
Genome position (GRCh38, 1-based): chr7:5,997,389, G duplicated on the plus strand (C on the coding strand, the reverse complement: PMS2 is on the minus strand); the first of 5 consecutive G bases (chr7:5,997,389-5,997,393); duplicating any one gives the same sequence. VCF-style (leftmost placement, unchanged base first): chr7-5997388-A-AG. GRCh37 (hg19) VCF-style: chr7-6037019-A-AG.
Other names: c.331dup, p.Ser113Terfs (NM_001018040.1, NM_001406887.1, NM_001406888.1 and 15 more transcripts); c.335dup, p.Pro112_Ser113insTer (NM_001322003.2, NM_001322004.2, NM_001322005.2 and 2 more transcripts); c.740dup, p.Pro247_Ser248insTer (NM_001322006.2, NM_001322014.2); c.422dup, p.Pro141_Ser142insTer (NM_001322007.2, NM_001322008.2); c.-194dup (NM_001322011.2, NM_001322012.2); c.167dup, p.Pro56_Ser57insTer (NM_001322013.2); c.431dup, p.Pro144_Ser145insTer (NM_001322015.2); c.922dup, p.Ser310Terfs (NM_001406866.1); and 10 more.
Identifiers: ClinVar variation 1758782 (VCV001758782.3), dbSNP rs762540878, ClinGen allele CA4150127.

ClinVar aggregate classification (germline): Pathogenic. Review status: criteria provided, multiple submitters, no conflicts (2 of 4 stars). 2 submissions from 2 submitters: Pathogenic (2). Last evaluated 2023-09-19.

Conditions:
Hereditary cancer-predisposing syndrome. Also called: Neoplastic Syndromes, Hereditary; Tumor predisposition; Hereditary Cancer Syndrome; Hereditary neoplastic syndrome. Identifiers: Orphanet 140162, MedGen C0027672, MeSH D009386, MONDO:0015356.
Lynch syndrome 4 (LYNCH4). Also called: Colorectal cancer, hereditary nonpolyposis, type 4; Hereditary non-polyposis colorectal cancer, type 4. Identifiers: Orphanet 144, MedGen C1838333, MONDO:0013699, OMIM 614337. Disease mechanism: loss of function.

Submissions (2):

Myriad Genetics, Inc.
Classification: Pathogenic for Lynch syndrome 4. Last evaluated: 2023-09-19. Review status: criteria provided, single submitter. Criteria: Myriad Autosomal Dominant, Autosomal Recessive and X-Linked Classification Criteria (2023). Collection method: clinical testing. Allele origin: unknown.
Comment: This variant is considered pathogenic. This variant creates a termination codon and is predicted to result in premature protein truncation.

Ambry Genetics
Classification: Pathogenic for Hereditary cancer-predisposing syndrome. Last evaluated: 2019-10-07. Review status: criteria provided, single submitter. Criteria: Ambry Variant Classification Scheme 2023. Collection method: clinical testing. Allele origin: germline.
Comment: The c.740dupC variant, located in coding exon 7 of the PMS2 gene, results from a duplication of C at nucleotide position 740, causing a translational frameshift with a predicted alternate stop codon (p.S248*). This alteration is expected to result in loss of function by premature protein truncation or nonsense-mediated mRNA decay. As such, this alteration is interpreted as a disease-causing mutation.